The following is an entry in ClinVar:

NM_000245.4(MET):c.838A>G (p.Arg280Gly)

Gene: MET (MET proto-oncogene, receptor tyrosine kinase; plus strand). Cytogenetic location: 7q31.2.
Variant type: single nucleotide variant.
Coding change: c.838A>G on transcript NM_000245.4 (MANE Select); coding-DNA position 838, A replaced by G.
Protein change: p.Arg280Gly; replaces arginine 280 with glycine.
Molecular consequence: missense variant. On other transcripts: intron variant (1).
Genome position (GRCh38, 1-based): chr7:116,699,922, A>G. VCF-style: chr7-116699922-A-G. GRCh37 (hg19) VCF-style: chr7-116339976-A-G.
Other names: c.838A>G, p.Arg280Gly (NM_001127500.3, NM_001324401.3); c.-91+27345A>G (NM_001324402.2); short protein forms R280G.
Identifiers: ClinVar variation 2767114 (VCV002767114.4), dbSNP rs2485513584, ClinGen allele CA368969960.

ClinVar aggregate classification (germline): Uncertain significance. Review status: criteria provided, multiple submitters, no conflicts (2 of 4 stars). 2 submissions from 2 submitters: Uncertain significance (2). Last evaluated 2023-10-13.

Conditions:
Hereditary cancer-predisposing syndrome. Also called: Hereditary neoplastic syndrome; Neoplastic Syndromes, Hereditary; Hereditary Cancer Syndrome; Tumor predisposition. Identifiers: Orphanet 140162, MedGen C0027672, MeSH D009386, MONDO:0015356.
Renal cell carcinoma. Identifiers: Orphanet 217071, MedGen C0007134, MeSH D002292, MONDO:0005086, HP:0005584.

Submissions (2):

Ambry Genetics
Classification: Uncertain significance for Hereditary cancer-predisposing syndrome. Last evaluated: 2023-10-13. Review status: criteria provided, single submitter. Criteria: Ambry Variant Classification Scheme 2023. Collection method: clinical testing. Allele origin: germline.
Comment: The p.R280G variant (also known as c.838A>G), located in coding exon 1 of the MET gene, results from an A to G substitution at nucleotide position 838. The arginine at codon 280 is replaced by glycine, an amino acid with dissimilar properties. This amino acid position is conserved. In addition, the in silico prediction for this alteration is inconclusive. Since supporting evidence is limited at this time, the clinical significance of this alteration remains unclear.

Labcorp Genetics (formerly Invitae), Labcorp
Classification: Uncertain significance for Renal cell carcinoma. Last evaluated: 2023-10-09. Review status: criteria provided, single submitter. Criteria: Invitae Variant Classification Sherloc (09022015). Collection method: clinical testing. Allele origin: germline.
Comment: This sequence change replaces arginine, which is basic and polar, with glycine, which is neutral and non-polar, at codon 280 of the MET protein (p.Arg280Gly). This variant is not present in population databases (gnomAD no frequency). This variant has not been reported in the literature in individuals affected with MET-related conditions. Advanced modeling of protein sequence and biophysical properties (such as structural, functional, and spatial information, amino acid conservation, physicochemical variation, residue mobility, and thermodynamic stability) performed at Invitae indicates that this missense variant is expected to disrupt MET protein function. In summary, the available evidence is currently insufficient to determine the role of this variant in disease. Therefore, it has been classified as a Variant of Uncertain Significance.